The following is an entry in ClinVar:

ClinVar aggregate classification (germline): Uncertain significance (1 of 4 stars; one submission).

Allele frequency attached by ClinVar (database versions not stated): gnomAD 0.00001.
gnomAD v4.1: 3 of 1,614,090 alleles (0.00019%); highest among the groups gnomAD compares: Admixed American, 0.0017%; no homozygotes.

Submission:

GeneDx
Classification: Uncertain significance. Last evaluated: 2022-11-23. Review status: criteria provided, single submitter. Criteria: GeneDx Variant Classification Process June 2021. Collection method: clinical testing. Allele origin: germline. Affected: yes.
Comment: Not observed at significant frequency in large population cohorts (gnomAD); In silico analysis supports that this missense variant does not alter protein structure/function; Has not been previously published as pathogenic or benign to our knowledge

NM_017635.5(KMT5B):c.1478A>T (p.Asp493Val)

Gene: KMT5B (lysine methyltransferase 5B; minus strand). Cytogenetic location: 11q13.2.
Variant type: single nucleotide variant.
Coding change: c.1478A>T on transcript NM_017635.5 (MANE Select); coding-DNA position 1478, A replaced by T.
Protein change: p.Asp493Val; replaces aspartic acid 493 with valine.
Molecular consequence: missense variant.
Genome position (GRCh38, 1-based): chr11:68,158,868, T>A on the plus strand (A>T on the coding strand, the complement: KMT5B is on the minus strand). VCF-style: chr11-68158868-T-A. GRCh37 (hg19) VCF-style: chr11-67926335-T-A.
Other names: c.962A>T, p.Asp321Val (NM_001300907.1, NM_001369428.1, NM_001369429.1 and 4 more transcripts); c.758A>T, p.Asp253Val (NM_001300908.2); c.1478A>T, p.Asp493Val (NM_001369426.1); short protein forms D253V, D321V, D493V.
Identifiers: ClinVar variation 2503202 (VCV002503202.1), dbSNP rs1854615093, ClinGen allele CA381594456.